The following is an entry in ClinVar:

ClinVar aggregate classification (germline): Uncertain significance. Review status: criteria provided, multiple submitters, no conflicts (2 of 4 stars). 5 submissions from 5 submitters: Uncertain significance (5). Last evaluated 2025-07-22.

Conditions:
Neuroblastoma, susceptibility to, 3. Also called: ALK-Related Neuroblastic Tumor Susceptibility. Identifiers: Orphanet 635, MedGen C2751681, MONDO:0013083, OMIM 613014.
Hereditary cancer-predisposing syndrome. Also called: Neoplastic Syndromes, Hereditary; Hereditary Cancer Syndrome; Hereditary neoplastic syndrome; Tumor predisposition. Identifiers: Orphanet 140162, MedGen C0027672, MeSH D009386, MONDO:0015356.

Allele frequency attached by ClinVar (database versions not stated): TOPMed below 0.00001.
gnomAD v4.1: 6 of 1,589,650 alleles (0.00038%); highest among the groups gnomAD compares: South Asian, 0.0011%; no homozygotes.

Submissions (5):

Labcorp Genetics (formerly Invitae), Labcorp
Classification: Uncertain significance for Neuroblastoma, susceptibility to, 3. Last evaluated: 2025-07-22. Review status: criteria provided, single submitter. Criteria: Invitae Variant Classification Sherloc (09022015). Collection method: clinical testing. Allele origin: germline.
Comment: This sequence change replaces serine, which is neutral and polar, with phenylalanine, which is neutral and non-polar, at codon 929 of the ALK protein (p.Ser929Phe). This variant is present in population databases (rs752568687, gnomAD 0.003%). This variant has not been reported in the literature in individuals affected with ALK-related conditions. ClinVar contains an entry for this variant (Variation ID: 640156). An algorithm developed to predict the effect of missense changes on protein structure and function (PolyPhen-2) suggests that this variant is likely to be disruptive. In summary, the available evidence is currently insufficient to determine the role of this variant in disease. Therefore, it has been classified as a Variant of Uncertain Significance.

Ambry Genetics
Classification: Uncertain significance for Hereditary cancer-predisposing syndrome. Last evaluated: 2024-08-20. Review status: criteria provided, single submitter. Criteria: Ambry Variant Classification Scheme 2023. Collection method: clinical testing. Allele origin: germline.
Comment: The p.S929F variant (also known as c.2786C>T), located in coding exon 16 of the ALK gene, results from a C to T substitution at nucleotide position 2786. The serine at codon 929 is replaced by phenylalanine, an amino acid with highly dissimilar properties. This amino acid position is conserved. In addition, this alteration is predicted to be tolerated by in silico analysis. Since supporting evidence is limited at this time, the clinical significance of this alteration remains unclear.

Baylor Genetics
Classification: Uncertain significance for Neuroblastoma, susceptibility to, 3. Last evaluated: 2024-01-04. Review status: criteria provided, single submitter. Criteria: ACMG Guidelines, 2015. Collection method: clinical testing. Allele origin: unknown.

GeneDx
Classification: Uncertain significance. Last evaluated: 2023-10-04. Review status: criteria provided, single submitter. Criteria: GeneDx Variant Classification Process June 2021. Collection method: clinical testing. Allele origin: germline. Affected: yes.
Comment: Not observed at significant frequency in large population cohorts (gnomAD); In silico analysis supports that this missense variant has a deleterious effect on protein structure/function; Has not been previously published as pathogenic or benign to our knowledge

Sema4
Classification: Uncertain significance for Hereditary cancer-predisposing syndrome. Last evaluated: 2021-05-31. Review status: criteria provided, single submitter. Criteria: Sema4 Curation Guidelines. Collection method: curation. Allele origin: germline.
Comment: The ALK c.2786C>T (p.S929F) variant has not been reported in the literature to our knowledge. It was observed in 1/34558 chromosomes of the Latino subpopulation in the large and broad cohorts of the Genome Aggregation Database (PMID: 32461654). This variant has been reported in ClinVar (Variation ID 640156). Functional studies have not been performed, and in silico predictions of the variant's effect on protein function are inconclusive. The evidence is insufficient to meet ACMG/AMP criteria for classifying the variant as benign or pathogenic. Thus, the clinical significance of this variant is currently uncertain.

NM_004304.5(ALK):c.2786C>T (p.Ser929Phe)

Gene: ALK (ALK receptor tyrosine kinase; minus strand). Cytogenetic location: 2p23.2.
Variant type: single nucleotide variant.
Coding change: c.2786C>T on transcript NM_004304.5 (MANE Select); coding-DNA position 2786, C replaced by T.
Protein change: p.Ser929Phe; replaces serine 929 with phenylalanine.
Molecular consequence: missense variant.
Genome position (GRCh38, 1-based): chr2:29,228,913, G>A on the plus strand (C>T on the coding strand, the complement: ALK is on the minus strand). VCF-style: chr2-29228913-G-A. GRCh37 (hg19) VCF-style: chr2-29451779-G-A.
Other names: short protein forms S929F.
Identifiers: ClinVar variation 640156 (VCV000640156.15), dbSNP rs752568687, ClinGen allele CA1594197.
Genomic context (GRCh38, chr2:29,228,913, plus strand): 5'-GAGTGACACCTTGAACACGAATCATCTTTACCTATATATCCTCCGCCTCCTCCACCTGAG[G>A]AGCACCCCCCTCCACCCCCTCCGAAACCCCCTCTTGTCTCCCACCCCCACTTCTTCATGG-3'
Protein context (NP_004295.2, residues 919-939): GGFGGGGGGC[Ser929Phe]SGGGGGGYIG